The following is an entry in ClinVar:

ClinVar aggregate classification (germline): Benign/Likely benign. Review status: criteria provided, multiple submitters, no conflicts (2 of 4 stars). 3 submissions from 3 submitters: Benign (1); Likely benign (2). Last evaluated 2024-05-17.

Conditions:
Breast and/or ovarian cancer. Identifiers: MedGen CN221562.
Hereditary cancer-predisposing syndrome. Also called: Neoplastic Syndromes, Hereditary; Tumor predisposition; Hereditary neoplastic syndrome; Hereditary Cancer Syndrome. Identifiers: Orphanet 140162, MedGen C0027672, MeSH D009386, MONDO:0015356.
Familial cancer of breast. Also called: BREAST CANCER, FAMILIAL; Hereditary breast cancer; hereditary breast carcinoma. Identifiers: Orphanet 227535, MedGen C0346153, MONDO:0016419, OMIM 114480. Disease mechanism: loss of function.

Submissions (3):

Myriad Genetics, Inc.
Classification: Benign for Familial cancer of breast. Last evaluated: 2024-05-17. Review status: criteria provided, single submitter. Criteria: Myriad Autosomal Dominant, Autosomal Recessive and X-Linked Classification Criteria (2023). Collection method: clinical testing. Allele origin: unknown.
Comment: This variant is considered benign. This variant is a silent/synonymous amino acid change and it is not expected to impact splicing.

CHEO Genetics Diagnostic Laboratory, Children's Hospital of Eastern Ontario
Classification: Likely benign for Breast and/or ovarian cancer. Last evaluated: 2021-07-29. Review status: criteria provided, single submitter. Criteria: ACMG Guidelines, 2015. Collection method: clinical testing. Allele origin: germline.

Color Diagnostics, LLC DBA Color Health
Classification: Likely benign for Hereditary cancer-predisposing syndrome. Last evaluated: 2018-06-25. Review status: criteria provided, single submitter. Criteria: ACMG Guidelines, 2015. Collection method: clinical testing. Allele origin: germline.

NM_000051.4(ATM):c.4341T>C (p.Ser1447=)

Gene: ATM (ATM serine/threonine kinase; plus strand). Cytogenetic location: 11q22.3.
Variant type: single nucleotide variant.
Coding change: c.4341T>C on transcript NM_000051.4 (MANE Select); coding-DNA position 4341, T replaced by C.
Protein change: p.Ser1447=; no amino-acid change (serine 1447 retained).
Molecular consequence: synonymous variant.
Genome position (GRCh38, 1-based): chr11:108,289,706, T>C. VCF-style: chr11-108289706-T-C. GRCh37 (hg19) VCF-style: chr11-108160433-T-C.
Other names: c.4341T>C, p.Ser1447= (NM_001351834.2).
Identifiers: ClinVar variation 628754 (VCV000628754.5), dbSNP rs1565456454, ClinGen allele CA476673940.